The following is an entry in ClinVar:

NM_002576.5(PAK1):c.427A>G (p.Met143Val)

Gene: PAK1 (p21 (RAC1) activated kinase 1; minus strand). Cytogenetic location: 11q13.5.
Variant type: single nucleotide variant.
Coding change: c.427A>G on transcript NM_002576.5 (MANE Select); coding-DNA position 427, A replaced by G.
Protein change: p.Met143Val; replaces methionine 143 with valine.
Molecular consequence: missense variant. On other transcripts: non-coding transcript variant (2), intron variant (1).
Genome position (GRCh38, 1-based): chr11:77,379,253, T>C on the plus strand (A>G on the coding strand, the complement: PAK1 is on the minus strand). VCF-style: chr11-77379253-T-C. GRCh37 (hg19) VCF-style: chr11-77090298-T-C.
Other names: c.427A>G, p.Met143Val (NM_001128620.2, NM_001376268.1, NM_001376269.1 and 26 more transcripts); c.448A>G, p.Met150Val (NM_001376272.1); c.133A>G, p.Met45Val (NM_001376302.1, NM_001376304.1, NM_001376305.1); c.191-4888A>G (NM_001376301.1); short protein forms M143V, M150V, M45V.
Identifiers: ClinVar variation 3061421 (VCV003061421.2), dbSNP rs2540813559, ClinGen allele CA382169430.

ClinVar aggregate classification (germline): Likely pathogenic. Review status: criteria provided, single submitter (1 of 4 stars). 2 submissions from 2 submitters: Likely pathogenic (1). 1 of the submissions does not count toward it. Last evaluated 2023-11-27.

Conditions:
PAK1-related disorder. Also called: PAK1-related condition.

Submissions (2):

GeneDx
Classification: Likely pathogenic. Last evaluated: 2023-11-27. Review status: criteria provided, single submitter. Criteria: GeneDx Variant Classification Process June 2021. Collection method: clinical testing. Allele origin: germline. Affected: yes.
Comment: Reported in a cohort of individuals with autism and epilepsy, but detailed information was not provided (PMID: 31873310); Not observed at significant frequency in large population cohorts (gnomAD); In silico analysis supports that this missense variant has a deleterious effect on protein structure/function; This variant is associated with the following publications: (PMID: 37820543, 31873310)

PreventionGenetics, part of Exact Sciences
Classification: Likely pathogenic for PAK1-related condition. Last evaluated: 2024-05-17. Review status: no assertion criteria provided. Collection method: clinical testing. Allele origin: germline. Not counted in ClinVar's aggregate classification.
Comment: The PAK1 c.427A>G variant is predicted to result in the amino acid substitution p.Met143Val. This variant was reported de novo in an individual with autism spectrum disorder (Data S1, Breuss et al 2020. PubMed ID: 31873310) and also de novo in an individual with neurodevelopmental disorder, hypotonia and seizures (Scorrano et al. 2023. PubMed ID: 37820543). Other variants at the same codon (p.Met143Thr, p.Met143Lys) were also reported de novo in individuals with neurodevelopmental disorder, hypotonia and seizures (Scorrano et al. 2023. PubMed ID: 37820543). This variant is interpreted as likely pathogenic.